The following is an entry in ClinVar:

ClinVar aggregate classification (germline): Uncertain significance. Review status: criteria provided, multiple submitters, no conflicts (2 of 4 stars). 2 submissions from 2 submitters: Uncertain significance (2). Last evaluated 2026-06-20.

Conditions:
Inborn genetic diseases. Identifiers: MedGen C0950123, MeSH D030342.

gnomAD v4.1: 2 of 1,613,698 alleles (0.00012%); highest among the groups gnomAD compares: Admixed American, 0.0033%; no homozygotes.

Submissions (2):

Ambry Genetics
Classification: Uncertain significance for Inborn genetic diseases. Last evaluated: 2026-06-20. Review status: criteria provided, single submitter. Criteria: Ambry Variant Classification Scheme 2023. Collection method: clinical testing. Allele origin: germline.
Comment: The p.K1900N variant (also known as c.5700G>C), located in coding exon 21 of the FANCM gene, results from a G to C substitution at nucleotide position 5700. The lysine at codon 1900 is replaced by asparagine, an amino acid with similar properties. This amino acid position is conserved. In addition, this alteration is predicted to be tolerated by in silico analysis. Based on the available evidence, the clinical significance of this variant remains unclear.

GeneDx
Classification: Uncertain significance. Last evaluated: 2023-12-28. Review status: criteria provided, single submitter. Criteria: GeneDx Variant Classification Process June 2021. Collection method: clinical testing. Allele origin: germline. Affected: yes.
Comment: Not observed at significant frequency in large population cohorts (gnomAD); In silico analysis supports that this missense variant has a deleterious effect on protein structure/function; Has not been previously published as pathogenic or benign to our knowledge

NM_020937.4(FANCM):c.5700G>C (p.Lys1900Asn)

Gene: FANCM (FA complementation group M; plus strand). Cytogenetic location: 14q21.2.
Variant type: single nucleotide variant.
Coding change: c.5700G>C on transcript NM_020937.4 (MANE Select); coding-DNA position 5700, G replaced by C.
Protein change: p.Lys1900Asn; replaces lysine 1900 with asparagine.
Molecular consequence: missense variant.
Genome position (GRCh38, 1-based): chr14:45,196,531, G>C. VCF-style: chr14-45196531-G-C. GRCh37 (hg19) VCF-style: chr14-45665734-G-C.
Other names: c.5622G>C, p.Lys1874Asn (NM_001308133.2); short protein forms K1874N, K1900N.
Identifiers: ClinVar variation 3367271 (VCV003367271.2).